The following is an entry in ClinVar:

NM_000428.3(LTBP2):c.5211C>A (p.Cys1737Ter)

Gene: LTBP2 (latent transforming growth factor beta binding protein 2; minus strand). Cytogenetic location: 14q24.3.
Variant type: single nucleotide variant.
Coding change: c.5211C>A on transcript NM_000428.3 (MANE Select); coding-DNA position 5211, C replaced by A.
Protein change: p.Cys1737Ter; replaces cysteine 1737 with a stop codon.
Molecular consequence: nonsense.
Genome position (GRCh38, 1-based): chr14:74,501,550, G>T on the plus strand (C>A on the coding strand, the complement: LTBP2 is on the minus strand). VCF-style: chr14-74501550-G-T. GRCh37 (hg19) VCF-style: chr14-74968253-G-T.
Other names: short protein forms C1737*.
Identifiers: ClinVar variation 3774594 (VCV003774594.1).
Genomic context (GRCh38, chr14:74,501,550, plus strand): 5'-ACAGGTGTAGCCCTCCCGCACGCGCACACAGCGGCCATTCTCACAGCCGTTCAGGATGCC[G>T]CACTCCTCCGCCTGAAGCCCTTCGAAGCCGGCTGGGGGCTCTGGGAGGAGGAAATCGGAG-3'

ClinVar aggregate classification (germline): Likely pathogenic (1 of 4 stars; one submission).

Conditions:
Incidental Discovery. Identifiers: MedGen C1135954.

Submission:

Clinical Genetics Laboratory, Skane University Hospital Lund
Classification: Likely pathogenic for Incidental Discovery. Last evaluated: 2025-04-01. Review status: criteria provided, single submitter. Criteria: ACMG Guidelines, 2015. Collection method: clinical testing. Allele origin: germline. Affected: yes.
Comment: ACMG criteria used: PVS1, PM2